The following is an entry in ClinVar:

NM_002470.4(MYH3):c.1978A>T (p.Met660Leu)

Gene: MYH3 (myosin heavy chain 3; minus strand). Cytogenetic location: 17p13.1.
Variant type: single nucleotide variant.
Coding change: c.1978A>T on transcript NM_002470.4 (MANE Select); coding-DNA position 1978, A replaced by T.
Protein change: p.Met660Leu; replaces methionine 660 with leucine.
Molecular consequence: missense variant.
Genome position (GRCh38, 1-based): chr17:10,641,354, T>A on the plus strand (A>T on the coding strand, the complement: MYH3 is on the minus strand). VCF-style: chr17-10641354-T-A. GRCh37 (hg19) VCF-style: chr17-10544671-T-A.
Other names: short protein forms M660L.
Identifiers: ClinVar variation 2056555 (VCV002056555.4), dbSNP rs1211120745, ClinGen allele CA398167637.

ClinVar aggregate classification (germline): Uncertain significance (1 of 4 stars; one submission).

Allele frequency attached by ClinVar (database versions not stated): gnomAD 0.00001; gnomAD exomes below 0.00001; TOPMed below 0.00001.
gnomAD v4.1: 5 of 1,605,104 alleles (0.00031%); highest among the groups gnomAD compares: Non-Finnish European, 0.00043%; no homozygotes.

Submission:

Labcorp Genetics (formerly Invitae), Labcorp
Classification: Uncertain significance. Last evaluated: 2023-07-26. Review status: criteria provided, single submitter. Criteria: Invitae Variant Classification Sherloc (09022015). Collection method: clinical testing. Allele origin: germline.
Comment: In summary, the available evidence is currently insufficient to determine the role of this variant in disease. Therefore, it has been classified as a Variant of Uncertain Significance. Advanced modeling of protein sequence and biophysical properties (such as structural, functional, and spatial information, amino acid conservation, physicochemical variation, residue mobility, and thermodynamic stability) performed at Invitae indicates that this missense variant is not expected to disrupt MYH3 protein function. ClinVar contains an entry for this variant (Variation ID: 2056555). This variant has not been reported in the literature in individuals affected with MYH3-related conditions. This variant is not present in population databases (gnomAD no frequency). This sequence change replaces methionine, which is neutral and non-polar, with leucine, which is neutral and non-polar, at codon 660 of the MYH3 protein (p.Met660Leu).